The following is an entry in ClinVar:

ClinVar aggregate classification (germline): Pathogenic (1 of 4 stars; one submission).

Conditions:
Autosomal recessive spinocerebellar ataxia 10. Identifiers: Orphanet 284289, MedGen C3150998, MONDO:0013392, OMIM 613728.

Submission:

Myriad Genetics, Inc.
Classification: Pathogenic for Autosomal recessive spinocerebellar ataxia 10. Last evaluated: 2025-01-20. Review status: criteria provided, single submitter. Criteria: Myriad Autosomal Dominant, Autosomal Recessive and X-Linked Classification Criteria (2023). Collection method: clinical testing. Allele origin: unknown.
Comment: NM_018075.3(ANO10):c.712G>T(E238*) is expected to be pathogenic in the context of spinocerebellar ataxia, ANO10-related. This variant is predicted to lead to an abnormal or absent protein product due to the creation of a premature termination codon in ANO10, a gene where loss-of-function variants are known to be pathogenic. Please note: this variant was assessed in the context of healthy population screening.

NM_018075.5(ANO10):c.712G>T (p.Glu238Ter)

Gene: ANO10 (anoctamin 10; minus strand). Cytogenetic location: 3p22.1.
Variant type: single nucleotide variant.
Coding change: c.712G>T on transcript NM_018075.5 (MANE Select); coding-DNA position 712, G replaced by T.
Protein change: p.Glu238Ter; replaces glutamic acid 238 with a stop codon.
Molecular consequence: nonsense. On other transcripts: intron variant (1).
Genome position (GRCh38, 1-based): chr3:43,577,142, C>A on the plus strand (G>T on the coding strand, the complement: ANO10 is on the minus strand). VCF-style: chr3-43577142-C-A. GRCh37 (hg19) VCF-style: chr3-43618634-C-A.
Other names: c.712G>T, p.Glu238Ter (NM_001204831.3, NM_001346463.2, NM_001346464.2 and 3 more transcripts); c.514G>T, p.Glu172Ter (NM_001204832.3, NM_001346466.2, NM_001346469.2); c.379G>T, p.Glu127Ter (NM_001204833.3); c.593-2278G>T (NM_001204834.3); short protein forms E127*, E172*, E238*.
Identifiers: ClinVar variation 5013984 (VCV005013984.1).